The following is an entry in ClinVar:

ClinVar aggregate classification (germline): Likely benign. Review status: criteria provided, multiple submitters, no conflicts (2 of 4 stars). 2 submissions from 2 submitters: Likely benign (2). Last evaluated 2026-06-01.

Conditions:
Senior-Loken syndrome 7 (SLSN7). Identifiers: Orphanet 3156, MedGen C3150877, MONDO:0013326, OMIM 613615.
Bardet-Biedl syndrome 16 (BBS16). Identifiers: Orphanet 110, MedGen C3889474, MONDO:0014444, OMIM 615993.
SDCCAG8-related disorder. Also called: SDCCAG8-related condition; SDCCAG8-Related Disorders.

Allele frequency attached by ClinVar (database versions not stated): gnomAD exomes below 0.00001.
gnomAD v4.1: 6 of 1,614,214 alleles (0.00037%); highest among the groups gnomAD compares: Admixed American, 0.0017%; no homozygotes.

Submissions (2):

PreventionGenetics, part of Exact Sciences
Classification: Likely benign for SDCCAG8-related condition. Last evaluated: 2026-06-01. Review status: criteria provided, single submitter. Criteria: ACMG Guidelines, 2015. Collection method: clinical testing. Allele origin: germline.
Comment: This variant is classified as likely benign based on ACMG/AMP sequence variant interpretation guidelines (Richards et al. 2015 PMID: 25741868, with internal and published modifications).

Labcorp Genetics (formerly Invitae), Labcorp
Classification: Likely benign for Bardet-Biedl syndrome 16; Senior-Loken syndrome 7. Last evaluated: 2023-01-20. Review status: criteria provided, single submitter. Criteria: Invitae Variant Classification Sherloc (09022015). Collection method: clinical testing. Allele origin: germline.

NM_006642.5(SDCCAG8):c.891T>C (p.His297=)

Gene: SDCCAG8 (SHH signaling and ciliogenesis regulator SDCCAG8; plus strand). Cytogenetic location: 1q43.
Variant type: single nucleotide variant.
Coding change: c.891T>C on transcript NM_006642.5 (MANE Select); coding-DNA position 891, T replaced by C.
Protein change: p.His297=; no amino-acid change (histidine 297 retained).
Molecular consequence: synonymous variant. On other transcripts: 5 prime UTR variant (3).
Genome position (GRCh38, 1-based): chr1:243,308,139, T>C. VCF-style: chr1-243308139-T-C. GRCh37 (hg19) VCF-style: chr1-243471441-T-C.
Other names: c.-13T>C (NM_001350246.2, NM_001350247.2, NM_001350251.2); c.987T>C, p.His329= (NM_001350248.2); c.597T>C, p.His199= (NM_001350249.2).
Identifiers: ClinVar variation 747784 (VCV000747784.9), dbSNP rs1017949399, ClinGen allele CA40432673.